The following is an entry in ClinVar:

ClinVar aggregate classification (germline): Uncertain significance (1 of 4 stars; one submission).

Submission:

Labcorp Genetics (formerly Invitae), Labcorp
Classification: Uncertain significance. Last evaluated: 2022-10-13. Review status: criteria provided, single submitter. Criteria: Invitae Variant Classification Sherloc (09022015). Collection method: clinical testing. Allele origin: germline.
Comment: In summary, the available evidence is currently insufficient to determine the role of this variant in disease. Therefore, it has been classified as a Variant of Uncertain Significance. Algorithms developed to predict the effect of sequence changes on RNA splicing suggest that this variant may disrupt the consensus splice site. This variant has not been reported in the literature in individuals affected with COL11A2-related conditions. This variant is not present in population databases (gnomAD no frequency). This sequence change affects codon 1001 of the COL11A2 mRNA. It is a 'silent' change, meaning that it does not change the encoded amino acid sequence of the COL11A2 protein.

NM_080680.3(COL11A2):c.3003G>A (p.Leu1001=)

Gene: COL11A2 (collagen type XI alpha 2 chain; minus strand). Cytogenetic location: 6p21.32.
Variant type: single nucleotide variant.
Coding change: c.3003G>A on transcript NM_080680.3 (MANE Select); coding-DNA position 3003, G replaced by A.
Protein change: p.Leu1001=; no amino-acid change (leucine 1001 retained).
Molecular consequence: synonymous variant.
Genome position (GRCh38, 1-based): chr6:33,172,089, C>T on the plus strand (G>A on the coding strand, the complement: COL11A2 is on the minus strand). VCF-style: chr6-33172089-C-T. GRCh37 (hg19) VCF-style: chr6-33139866-C-T.
Other names: c.2682G>A, p.Leu894= (NM_080679.3); c.2745G>A, p.Leu915= (NM_080681.3).
Identifiers: ClinVar variation 2021844 (VCV002021844.4), dbSNP rs2534863447, ClinGen allele CA449879571.